The following is an entry in ClinVar:

ClinVar aggregate classification (germline): Uncertain significance (1 of 4 stars; one submission).

Conditions:
Ataxia-telangiectasia syndrome (AT). Also called: ATAXIA-TELANGIECTASIA, COMPLEMENTATION GROUP A; ATAXIA-TELANGIECTASIA, FRESNO VARIANT; Ataxia-telangiectasia; Ataxia-telangiectasia, complementation group D; AT, COMPLEMENTATION GROUP C; Ataxia-telangiectasia, complementation group E. Identifiers: Orphanet 100, MedGen C0004135, MONDO:0008840, OMIM 208900.

Submission:

Labcorp Genetics (formerly Invitae), Labcorp
Classification: Uncertain significance for Ataxia-telangiectasia syndrome. Last evaluated: 2019-03-20. Review status: criteria provided, single submitter. Criteria: Invitae Variant Classification Sherloc (09022015). Collection method: clinical testing. Allele origin: germline.
Comment: This variant is not present in population databases (ExAC no frequency). In summary, the available evidence is currently insufficient to determine the role of this variant in disease. Therefore, it has been classified as a Variant of Uncertain Significance. Algorithms developed to predict the effect of missense changes on protein structure and function (SIFT, PolyPhen-2, Align-GVGD) all suggest that this variant is likely to be tolerated, but these predictions have not been confirmed by published functional studies and their clinical significance is uncertain. This variant has not been reported in the literature in individuals with ATM-related conditions. This sequence change replaces arginine with glycine at codon 2568 of the ATM protein (p.Arg2568Gly). The arginine residue is weakly conserved and there is a moderate physicochemical difference between arginine and glycine.

NM_000051.4(ATM):c.7702A>G (p.Arg2568Gly)

Genes: ATM (ATM serine/threonine kinase; plus strand), C11orf65 (chromosome 11 open reading frame 65; minus strand). Cytogenetic location: 11q22.3.
Variant type: single nucleotide variant.
Coding change: c.7702A>G on transcript NM_000051.4 (MANE Select); coding-DNA position 7702, A replaced by G.
Protein change: p.Arg2568Gly; replaces arginine 2568 with glycine.
Molecular consequence: missense variant. On other transcripts: intron variant (2).
Genome position (GRCh38, 1-based): chr11:108,331,951, A>G. VCF-style: chr11-108331951-A-G. GRCh37 (hg19) VCF-style: chr11-108202678-A-G.
Other names: c.7702A>G, p.Arg2568Gly (NM_001351834.2); c.641-22880T>C (NM_001330368.2); c.*38+3269T>C (NM_001351110.2); short protein forms R2568G.
Identifiers: ClinVar variation 858811 (VCV000858811.10), dbSNP rs2086298156, ClinGen allele CA382561040.